The following is an entry in ClinVar:

NM_018975.4(TERF2IP):c.1121A>T (p.Asp374Val)

Gene: TERF2IP (TERF2 interacting protein; plus strand). Cytogenetic location: 16q23.1.
Variant type: single nucleotide variant.
Coding change: c.1121A>T on transcript NM_018975.4 (MANE Select); coding-DNA position 1121, A replaced by T.
Protein change: p.Asp374Val; replaces aspartic acid 374 with valine.
Molecular consequence: missense variant. On other transcripts: non-coding transcript variant (1).
Genome position (GRCh38, 1-based): chr16:75,656,532, A>T. VCF-style: chr16-75656532-A-T. GRCh37 (hg19) VCF-style: chr16-75690430-A-T.
Other names: short protein forms D374V.
Identifiers: ClinVar variation 1797866 (VCV001797866.2), dbSNP rs2082388252, ClinGen allele CA396820308.

ClinVar aggregate classification (germline): Uncertain significance (1 of 4 stars; one submission).

Allele frequency attached by ClinVar (database versions not stated): gnomAD exomes below 0.00001; TOPMed below 0.00001.
gnomAD v4.1: 2 of 1,614,220 alleles (0.00012%); highest among the groups gnomAD compares: African/African-American, 0.0013%; no homozygotes.

Submission:

Ambry Genetics
Classification: Uncertain significance. Last evaluated: 2022-03-24. Review status: criteria provided, single submitter. Criteria: Ambry Variant Classification Scheme 2023. Collection method: clinical testing. Allele origin: germline.
Comment: The p.D374V variant (also known as c.1121A>T), located in coding exon 3 of the TERF2IP gene, results from an A to T substitution at nucleotide position 1121. The aspartic acid at codon 374 is replaced by valine, an amino acid with highly dissimilar properties. This amino acid position is conserved. In addition, the in silico prediction for this alteration is inconclusive. Since supporting evidence is limited at this time, the clinical significance of this alteration remains unclear.